The following is an entry in ClinVar:

NM_002335.4(LRP5):c.2779G>A (p.Gly927Ser)

Gene: LRP5 (LDL receptor related protein 5; plus strand). Cytogenetic location: 11q13.2.
Variant type: single nucleotide variant.
Coding change: c.2779G>A on transcript NM_002335.4 (MANE Select); coding-DNA position 2779, G replaced by A.
Protein change: p.Gly927Ser; replaces glycine 927 with serine.
Molecular consequence: missense variant.
Genome position (GRCh38, 1-based): chr11:68,413,964, G>A. VCF-style: chr11-68413964-G-A. GRCh37 (hg19) VCF-style: chr11-68181432-G-A.
Other names: c.1036G>A, p.Gly346Ser (NM_001291902.2); c.2779G>A (NM_002335.2, NM_002335.3); short protein forms G927S, G346S.
Identifiers: ClinVar variation 290053 (VCV000290053.14), dbSNP rs764138752, ClinGen allele CA6149735.
Genomic context (GRCh38, chr11:68,413,964, plus strand): 5'-ATGCACAACAACGGGCAGTGTGGGCAGCTGTGCCTTGCCATCCCCGGCGGCCACCGCTGC[G>A]GCTGCGCCTCACACTACACCCTGGACCCCAGCAGCCGCAACTGCAGCCGTAAGTGCCTCA-3'
Protein context (NP_002326.2, residues 917-937): CLAIPGGHRC[Gly927Ser]CASHYTLDPS

ClinVar aggregate classification (germline): Conflicting classifications of pathogenicity. Review status: criteria provided, conflicting classifications (1 of 4 stars). 5 submissions from 5 submitters: Uncertain significance (3); Likely benign (1). 1 of the submissions does not count toward it. Last evaluated 2025-05-22.

Conditions:
Inborn genetic diseases. Identifiers: MedGen C0950123, MeSH D030342.
Osteoporosis with pseudoglioma (OPPG). Also called: osteoporosis-pseudoglioma syndrome. Identifiers: Orphanet 2788, MedGen C0432252, MONDO:0009820, OMIM 259770.
Bone mineral density quantitative trait locus 1 (BMND1). Identifiers: MedGen C1866079, OMIM 601884.
Exudative vitreoretinopathy 4 (EVR4). Identifiers: Orphanet 891, MedGen C1866176, MONDO:0011151, OMIM 601813.
Worth disease. Also called: Autosomal dominant osteosclerosis, Worth type; OSTEOSCLEROSIS, AUTOSOMAL DOMINANT; ENDOSTEAL HYPEROSTOSIS, AUTOSOMAL DOMINANT. Identifiers: Orphanet 2790, MedGen C0432273, MONDO:0007764, OMIM 144750.
Polycystic liver disease 4 with or without kidney cysts. Identifiers: MedGen C4693479, MONDO:0044327, OMIM 617875.
Autosomal dominant osteopetrosis 1 (OPTA1). Also called: OSTEOPETROSIS, AUTOSOMAL DOMINANT, TYPE I. Identifiers: Orphanet 2783, MedGen C1843330, MONDO:0011877, OMIM 607634.
LRP5-related disorder. Also called: LRP5-related condition.

Allele frequency attached by ClinVar (database versions not stated): ExAC 0.00006; TOPMed 0.00006.
gnomAD v4.1: 36 of 1,607,382 alleles (0.0022%); highest among the groups gnomAD compares: Admixed American, 0.0033%; no homozygotes.

Submissions (5):

Labcorp Genetics (formerly Invitae), Labcorp
Classification: Uncertain significance. Last evaluated: 2025-05-22. Review status: criteria provided, single submitter. Criteria: Invitae Variant Classification Sherloc (09022015). Collection method: clinical testing. Allele origin: germline.
Comment: This sequence change replaces glycine, which is neutral and non-polar, with serine, which is neutral and polar, at codon 927 of the LRP5 protein (p.Gly927Ser). This variant is present in population databases (rs764138752, gnomAD 0.03%). This variant has not been reported in the literature in individuals affected with LRP5-related conditions. ClinVar contains an entry for this variant (Variation ID: 290053). Invitae Evidence Modeling of protein sequence and biophysical properties (such as structural, functional, and spatial information, amino acid conservation, physicochemical variation, residue mobility, and thermodynamic stability) indicates that this missense variant is not expected to disrupt LRP5 protein function with a negative predictive value of 95%. In summary, the available evidence is currently insufficient to determine the role of this variant in disease. Therefore, it has been classified as a Variant of Uncertain Significance.

Fulgent Genetics
Classification: Uncertain significance for Worth disease; Osteoporosis with pseudoglioma; Exudative vitreoretinopathy 4; Bone mineral density quantitative trait locus 1; Autosomal dominant osteopetrosis 1; Polycystic liver disease 4 with or without kidney cysts. Last evaluated: 2024-01-11. Review status: criteria provided, single submitter. Criteria: ACMG Guidelines, 2015. Collection method: clinical testing. Allele origin: germline.

Ambry Genetics
Classification: Likely benign for Inborn genetic diseases. Last evaluated: 2022-06-17. Review status: criteria provided, single submitter. Criteria: Ambry Variant Classification Scheme 2023. Collection method: clinical testing. Allele origin: germline.

Eurofins Ntd Llc (ga)
Classification: Uncertain significance. Last evaluated: 2016-08-31. Review status: criteria provided, single submitter. Criteria: EGL Classification Definitions 2015. Collection method: clinical testing. Allele origin: germline. Observed: 1 variant allele, 1 heterozygote.

PreventionGenetics, part of Exact Sciences
Classification: Uncertain significance for LRP5-related condition. Last evaluated: 2024-04-12. Review status: no assertion criteria provided. Collection method: clinical testing. Allele origin: germline. Not counted in ClinVar's aggregate classification.
Comment: The LRP5 c.2779G>A variant is predicted to result in the amino acid substitution p.Gly927Ser. To our knowledge, this variant has not been reported in the literature. This variant is reported in 0.035% of alleles in individuals of European (Finnish) descent in gnomAD. At this time, the clinical significance of this variant is uncertain due to the absence of conclusive functional and genetic evidence.